The following is an entry in ClinVar:

NM_000053.4(ATP7B):c.1420A>C (p.Ile474Leu)

Gene: ATP7B (ATPase copper transporting beta; minus strand). Cytogenetic location: 13q14.3.
Variant type: single nucleotide variant.
Coding change: c.1420A>C on transcript NM_000053.4 (MANE Select); coding-DNA position 1420, A replaced by C.
Protein change: p.Ile474Leu; replaces isoleucine 474 with leucine.
Molecular consequence: missense variant. On other transcripts: intron variant (1).
Genome position (GRCh38, 1-based): chr13:51,970,615, T>G on the plus strand (A>C on the coding strand, the complement: ATP7B is on the minus strand). VCF-style: chr13-51970615-T-G. GRCh37 (hg19) VCF-style: chr13-52544751-T-G.
Other names: c.1420A>C, p.Ile474Leu (NM_001005918.3, NM_001330578.2, NM_001406520.1 and 28 more transcripts); c.1087A>C, p.Ile363Leu (NM_001243182.2); c.1324A>C, p.Ile442Leu (NM_001406543.1, NM_001406544.1, NM_001406517.1 and 3 more transcripts); c.1285+3320A>C (NM_001406548.1); c.991A>C, p.Ile331Leu (NM_001406539.1); short protein forms I331L, I363L, I442L, I474L.
Identifiers: ClinVar variation 3071064 (VCV003071064.1), dbSNP rs2547794031, ClinGen allele CA388035672.

ClinVar aggregate classification (germline): Uncertain significance (1 of 4 stars; one submission).

Conditions:
Wilson disease (WND). Also called: Wilson's disease. Identifiers: Orphanet 905, MedGen C0019202, MONDO:0010200, OMIM 277900. Disease mechanism: loss of function.

Submission:

All of Us Research Program, National Institutes of Health
Classification: Uncertain significance for Wilson disease. Last evaluated: 2023-05-16. Review status: criteria provided, single submitter. Criteria: ACMG Guidelines, 2015. Collection method: clinical testing. Allele origin: germline. Inheritance: Autosomal recessive inheritance. Observed: 1 variant allele, 1 heterozygote.
Comment: This missense variant replaces isoleucine with leucine at codon 474 of the ATP7B protein. Computational prediction suggests that this variant may not impact protein structure and function (internally defined REVEL score threshold <= 0.5, PMID: 27666373). To our knowledge, functional studies have not been reported for this variant. This variant has not been reported in individuals affected with ATP7B-related disorders in the literature. This variant has not been identified in the general population by the Genome Aggregation Database (gnomAD). The available evidence is insufficient to determine the role of this variant in disease conclusively. Therefore, this variant is classified as a Variant of Uncertain Significance.

This study involves interpretation of variants in research participants for the purpose of population health screening. Participant phenotype was not available at the time of variant classification. Additional details can be found in publication PMID: 35346344, PMCID: PMC8962531